The following is an entry in ClinVar:

NM_001754.5(RUNX1):c.312G>T (p.Thr104=)

Gene: RUNX1 (RUNX family transcription factor 1; minus strand). Cytogenetic location: 21q22.12.
Variant type: single nucleotide variant.
Coding change: c.312G>T on transcript NM_001754.5 (MANE Select); coding-DNA position 312, G replaced by T.
Protein change: p.Thr104=; no amino-acid change (threonine 104 retained).
Molecular consequence: synonymous variant.
Genome position (GRCh38, 1-based): chr21:34,886,882, C>A on the plus strand (G>T on the coding strand, the complement: RUNX1 is on the minus strand). VCF-style: chr21-34886882-C-A. GRCh37 (hg19) VCF-style: chr21-36259179-C-A.
Other names: NM_001754.5(RUNX1):c.312G>T; p.Thr104=; c.231G>T, p.Thr77= (NM_001001890.3, NM_001122607.2).
Identifiers: ClinVar variation 2073246 (VCV002073246.6), dbSNP rs2057998343, ClinGen allele CA512318835.

ClinVar aggregate classification (germline): Likely benign. Review status: reviewed by expert panel (3 of 4 stars). 3 submissions from 3 submitters: Likely benign (1). 2 of the submissions do not count toward it. Last evaluated 2024-09-10.

Conditions:
Hereditary thrombocytopenia and hematologic cancer predisposition syndrome. Identifiers: Orphanet 71290, MedGen CN281654, MONDO:0011071.
Inborn genetic diseases. Identifiers: MedGen C0950123, MeSH D030342.
Hereditary thrombocytopenia and hematological cancer predisposition syndrome associated with RUNX1. Also called: Familial Platelet Disorder with Propensity to Acute Myelogenous Leukemia; Familial thrombocytopenia with propensity to acute myelogenous leukemia; PLATELET DISORDER, ASPIRIN-LIKE; RUNX1 Familial Platelet Disorder with Associated Myeloid Malignancies. Identifiers: Orphanet 71290, MedGen C1832388, MeSH C563324, MONDO:0100083, OMIM 601399.

Allele frequency attached by ClinVar (database versions not stated): TOPMed 0.00001.
gnomAD v4.1: 2 of 1,613,672 alleles (0.00012%); highest among the groups gnomAD compares: African/African-American, 0.0027%; no homozygotes.

Submissions (3):

ClinGen Myeloid Malignancy Variant Curation Expert Panel
Classification: Likely benign for Hereditary thrombocytopenia and hematologic cancer predisposition syndrome. Last evaluated: 2024-09-10. Review status: reviewed by expert panel. Criteria: ClinGen MyeloMalig ACMG Specifications v2. Collection method: curation. Allele origin: germline. Inheritance: Autosomal dominant inheritance.
Comment: NM_001754.5(RUNX1):c.312G>T (p.Thr104=) is a synonymous variant which has a SpliceAI score ≤ 0.20 (0.0) (BP4). This variant has a SpliceAI score ≤ 0.20 (0.0) and evolutionary conservation algorithms predict the site as not being conserved (PhyloP score ≤ 2.0 (-0.09) (BP7). This variant is completely absent from all population databases with at least 20x coverage for RUNX1 (PM2_Supporting). In summary, this variant meets criteria to be classified as likely benign. ACMG/AMP criteria applied, as specified by the Myeloid Malignancy Variant Curation Expert Panel for RUNX1: BP4, BP7, PM2_supporting.

Ambry Genetics
Classification: Likely benign for Inborn genetic diseases. Last evaluated: 2025-05-25. Review status: criteria provided, single submitter. Criteria: Ambry Variant Classification Scheme 2023. Collection method: clinical testing. Allele origin: germline. Not counted in ClinVar's aggregate classification.

Labcorp Genetics (formerly Invitae), Labcorp
Classification: Likely benign for Hereditary thrombocytopenia and hematological cancer predisposition syndrome associated with RUNX1. Last evaluated: 2023-10-06. Review status: criteria provided, single submitter. Criteria: Invitae Variant Classification Sherloc (09022015). Collection method: clinical testing. Allele origin: germline. Not counted in ClinVar's aggregate classification.